The following is an entry in ClinVar:

ClinVar aggregate classification (germline): Uncertain significance. Review status: criteria provided, multiple submitters, no conflicts (2 of 4 stars). 2 submissions from 2 submitters: Uncertain significance (2). Last evaluated 2022-07-19.

Conditions:
Hereditary spastic paraplegia 30. Identifiers: Orphanet 101010, MedGen C5235139, MONDO:0012476.
Neuropathy, hereditary sensory, type 2C. Also called: Hereditary sensory and autonomic neuropathy type IIC; KIF1A-Related HSAN2 (HSAN2C). Identifiers: Orphanet 970, MedGen C3280168, MONDO:0013634, OMIM 614213.
Intellectual disability, autosomal dominant 9 (NESCAVS). Also called: NESCAV SYNDROME; KIF1A-Related Neurodevelopmental Disorder. Identifiers: Orphanet 662367, MedGen C5393830, MONDO:0013656, OMIM 614255.

Allele frequency attached by ClinVar (database versions not stated): TOPMed 0.00001.

Submissions (2):

Labcorp Genetics (formerly Invitae), Labcorp
Classification: Uncertain significance for Hereditary spastic paraplegia 30; Neuropathy, hereditary sensory, type 2C; Intellectual disability, autosomal dominant 9. Last evaluated: 2022-07-19. Review status: criteria provided, single submitter. Criteria: Invitae Variant Classification Sherloc (09022015). Collection method: clinical testing. Allele origin: germline.
Comment: In summary, the available evidence is currently insufficient to determine the role of this variant in disease. Therefore, it has been classified as a Variant of Uncertain Significance. Algorithms developed to predict the effect of missense changes on protein structure and function (SIFT, PolyPhen-2, Align-GVGD) all suggest that this variant is likely to be disruptive. This variant has not been reported in the literature in individuals affected with KIF1A-related conditions. This variant is not present in population databases (gnomAD no frequency). This sequence change replaces valine, which is neutral and non-polar, with alanine, which is neutral and non-polar, at codon 1076 of the KIF1A protein (p.Val1076Ala).

GeneDx
Classification: Uncertain significance. Last evaluated: 2022-06-22. Review status: criteria provided, single submitter. Criteria: GeneDx Variant Classification Process June 2021. Collection method: clinical testing. Allele origin: germline. Affected: yes.
Comment: Not observed at significant frequency in large population cohorts (gnomAD); In silico analysis supports that this missense variant has a deleterious effect on protein structure/function; Has not been previously published as pathogenic or benign to our knowledge

NM_001244008.2(KIF1A):c.3530T>C (p.Val1177Ala)

Gene: KIF1A (kinesin family member 1A; minus strand). Cytogenetic location: 2q37.3.
Variant type: single nucleotide variant.
Coding change: c.3530T>C on transcript NM_001244008.2 (MANE Select); coding-DNA position 3530, T replaced by C.
Protein change: p.Val1177Ala; replaces valine 1177 with alanine.
Molecular consequence: missense variant.
Genome position (GRCh38, 1-based): chr2:240,743,996, A>G on the plus strand (T>C on the coding strand, the complement: KIF1A is on the minus strand). VCF-style: chr2-240743996-A-G. GRCh37 (hg19) VCF-style: chr2-241683413-A-G.
Other names: c.3254T>C, p.Val1085Ala (NM_001320705.2, NM_001330289.2, NM_001379638.1); c.3329T>C, p.Val1110Ala (NM_001330290.2, NM_001379634.1, NM_001379635.1 and 1 more transcripts); c.3605T>C, p.Val1202Ala (NM_001379631.1); c.3479T>C, p.Val1160Ala (NM_001379632.1); c.3503T>C, p.Val1168Ala (NM_001379633.1, NM_001379642.1, NM_001379645.1); c.3227T>C, p.Val1076Ala (NM_001379636.1, NM_001379639.1, NM_001379641.1 and 6 more transcripts); c.3302T>C, p.Val1101Ala (NM_001379637.1, NM_001379648.1); c.3224T>C, p.Val1075Ala (NM_001379640.1); short protein forms V1075A, V1076A, V1085A, V1101A, V1110A, V1160A, V1168A, V1177A.
Identifiers: ClinVar variation 1719095 (VCV001719095.7), dbSNP rs1168265613, ClinGen allele CA351316797.
Genomic context (GRCh38, chr2:240,743,996, plus strand): 5'-GCTAACCTGAGCACGTCCTTGCAGAGGGGCGGGAACGGGTGCTGCTGGTAGTGGCCAAAG[A>G]CCTCGAAAACAATGGGCTGGCTCTTGATGTACTCAATGAAGGACTTGGTCACCTCCACTG-3'
Protein context (NP_001230937.1, residues 1167-1187): YIKSQPIVFE[Val1177Ala]FGHYQQHPFP